The following is an entry in ClinVar:

ClinVar aggregate classification (germline): Uncertain significance. Review status: criteria provided, multiple submitters, no conflicts (2 of 4 stars). 2 submissions from 2 submitters: Uncertain significance (2). Last evaluated 2024-12-06.

Conditions:
Hereditary cancer-predisposing syndrome. Also called: Hereditary neoplastic syndrome; Neoplastic Syndromes, Hereditary; Tumor predisposition; Hereditary Cancer Syndrome. Identifiers: Orphanet 140162, MedGen C0027672, MeSH D009386, MONDO:0015356.
Multiple endocrine neoplasia, type 1 (MEN1). Also called: Endocrine adenomatosis multiple; MEN 1; MEN I; WERMER SYNDROME; MEA I. Identifiers: Orphanet 652, MedGen C0025267, MeSH D018761, MONDO:0007540, OMIM 131100.

Submissions (2):

Labcorp Genetics (formerly Invitae), Labcorp
Classification: Uncertain significance for Multiple endocrine neoplasia, type 1. Last evaluated: 2024-12-06. Review status: criteria provided, single submitter. Criteria: Invitae Variant Classification Sherloc (09022015). Collection method: clinical testing. Allele origin: germline.
Comment: This sequence change replaces arginine, which is basic and polar, with cysteine, which is neutral and slightly polar, at codon 21 of the MEN1 protein (p.Arg21Cys). This variant is not present in population databases (gnomAD no frequency). This variant has not been reported in the literature in individuals affected with MEN1-related conditions. ClinVar contains an entry for this variant (Variation ID: 1005485). Invitae Evidence Modeling of protein sequence and biophysical properties (such as structural, functional, and spatial information, amino acid conservation, physicochemical variation, residue mobility, and thermodynamic stability) indicates that this missense variant is not expected to disrupt MEN1 protein function with a negative predictive value of 80%. In summary, the available evidence is currently insufficient to determine the role of this variant in disease. Therefore, it has been classified as a Variant of Uncertain Significance.

Ambry Genetics
Classification: Uncertain significance for Hereditary cancer-predisposing syndrome. Last evaluated: 2024-03-08. Review status: criteria provided, single submitter. Criteria: Ambry Variant Classification Scheme 2023. Collection method: clinical testing. Allele origin: germline.
Comment: The p.R21C variant (also known as c.61C>T), located in coding exon 1 of the MEN1 gene, results from a C to T substitution at nucleotide position 61. The arginine at codon 21 is replaced by cysteine, an amino acid with highly dissimilar properties. This amino acid position is conserved. In addition, the in silico prediction for this alteration is inconclusive. Based on the available evidence, the clinical significance of this alteration remains unclear.

NM_001370259.2(MEN1):c.61C>T (p.Arg21Cys)

Gene: MEN1 (menin 1; minus strand). Cytogenetic location: 11q13.1.
Variant type: single nucleotide variant.
Coding change: c.61C>T on transcript NM_001370259.2 (MANE Select); coding-DNA position 61, C replaced by T.
Protein change: p.Arg21Cys; replaces arginine 21 with cysteine.
Molecular consequence: missense variant.
Genome position (GRCh38, 1-based): chr11:64,810,049, G>A on the plus strand (C>T on the coding strand, the complement: MEN1 is on the minus strand). VCF-style: chr11-64810049-G-A. GRCh37 (hg19) VCF-style: chr11-64577521-G-A.
Other names: c.61C>T (NM_130799.2); c.61C>T, p.Arg21Cys (NM_000244.4, NM_001370251.2, NM_001370260.2 and 9 more transcripts); short protein forms R21C.
Identifiers: ClinVar variation 1005485 (VCV001005485.10), dbSNP rs541476418, ClinGen allele CA381188114.
Genomic context (GRCh38, chr11:64,810,049, plus strand): 5'-GCACCAAGGAAAGGAGCACCAGGTCCGGCTCCTCTCGGCCCAGCTCGGCAGCAAACAGGC[G>A]CACCACGTCGTCGATGGAGCGCAGCGGGAACAGCGTCTTCTGGGCGGCCTTCAGCCCCAT-3'
Protein context (NP_001357188.2, residues 11-31): FPLRSIDDVV[Arg21Cys]LFAAELGREE